The following is an entry in ClinVar:

ClinVar aggregate classification (germline): Uncertain significance (1 of 4 stars; one submission).

Allele frequency attached by ClinVar (database versions not stated): ExAC 0.00002; gnomAD 0.00004; TOPMed 0.00004; gnomAD exomes 0.00006.

Submission:

Labcorp Genetics (formerly Invitae), Labcorp
Classification: Uncertain significance. Last evaluated: 2025-10-20. Review status: criteria provided, single submitter. Criteria: Invitae Variant Classification Sherloc (09022015). Collection method: clinical testing. Allele origin: germline.
Comment: This sequence change replaces arginine, which is basic and polar, with tryptophan, which is neutral and slightly polar, at codon 259 of the TNFRSF6B protein (p.Arg259Trp). This variant is present in population databases (rs369340699, gnomAD 0.02%). This variant has not been reported in the literature in individuals affected with TNFRSF6B-related conditions. ClinVar contains an entry for this variant (Variation ID: 1022344). An algorithm developed to predict the effect of missense changes on protein structure and function (PolyPhen-2) suggests that this variant is likely to be tolerated. In summary, the available evidence is currently insufficient to determine the role of this variant in disease. Therefore, it has been classified as a Variant of Uncertain Significance.

NM_003823.4(TNFRSF6B):c.775C>T (p.Arg259Trp)

Genes: RTEL1-TNFRSF6B (RTEL1-TNFRSF6B readthrough (NMD candidate); plus strand), TNFRSF6B (TNF receptor superfamily member 6b; plus strand). Cytogenetic location: 20q13.33.
Variant type: single nucleotide variant.
Coding change: c.775C>T on transcript NM_003823.4 (MANE Select); coding-DNA position 775, C replaced by T.
Protein change: p.Arg259Trp; replaces arginine 259 with tryptophan.
Molecular consequence: missense variant. On other transcripts: non-coding transcript variant (1).
Genome position (GRCh38, 1-based): chr20:63,698,435, C>T. VCF-style: chr20-63698435-C-T. GRCh37 (hg19) VCF-style: chr20-62329788-C-T.
Other names: short protein forms R259W.
Identifiers: ClinVar variation 1022344 (VCV001022344.10), dbSNP rs369340699, ClinGen allele CA9966605.
Genomic context (GRCh38, chr20:63,698,435, plus strand): 5'-CCGGAGGGCTGGGGTCCGACACCAAGGGCGGGCCGCGCGGCCTTGCAGCTGAAGCTGCGT[C>T]GGCGGCTCACGGAGCTCCTGGGGGCGCAGGACGGGGCGCTGCTGGTGCGGCTGCTGCAGG-3'
Protein context (NP_003814.1, residues 249-269): GRAALQLKLR[Arg259Trp]RLTELLGAQD